The following is an entry in ClinVar:

ClinVar aggregate classification (germline): Conflicting classifications of pathogenicity. Review status: criteria provided, conflicting classifications (1 of 4 stars). 2 submissions from 2 submitters: Uncertain significance (1); Likely benign (1). Last evaluated 2024-01-09.

Conditions:
Hereditary breast ovarian cancer syndrome. Also called: BRCA1- and BRCA2-Associated Hereditary Breast and Ovarian Cancer; Hereditary breast and ovarian cancer; Hereditary breast and ovarian cancer syndrome (HBOC); Breast and ovarian cancer; Hereditary breast and ovarian cancer syndrome; Hereditary breast and/or ovarian cancer syndrome. Identifiers: Orphanet 145, MedGen C0677776, MeSH D061325, MONDO:0003582. Disease mechanism: loss of function.

Submissions (2):

Quest Diagnostics Nichols Institute San Juan Capistrano
Classification: Uncertain significance. Last evaluated: 2024-01-09. Review status: criteria provided, single submitter. Criteria: Quest Diagnostics criteria. Collection method: clinical testing. Allele origin: unknown.
Comment: The BRCA2 c.9648+9A>C variant has not been reported in individuals with BRCA2-related conditions in the published literature. It also has not been reported in large, multi-ethnic general populations (Genome Aggregation Database). Analysis of this variant using software algorithms for the prediction of the effect of nucleotide changes on splicing yielded predictions that this variant does not affect BRCA2 mRNA splicing. Based on the available information, we are unable to determine the clinical significance of this variant.

Labcorp Genetics (formerly Invitae), Labcorp
Classification: Likely benign for Hereditary breast ovarian cancer syndrome. Last evaluated: 2023-11-10. Review status: criteria provided, single submitter. Criteria: Invitae Variant Classification Sherloc (09022015). Collection method: clinical testing. Allele origin: germline.

NM_000059.4(BRCA2):c.9648+9A>C

Gene: BRCA2 (BRCA2 DNA repair associated; plus strand). Cytogenetic location: 13q13.1.
Variant type: single nucleotide variant.
Coding change: c.9648+9A>C on transcript NM_000059.4 (MANE Select); 9 bases into the intron after coding-DNA position 9648, A replaced by C.
Molecular consequence: intron variant.
Genome position (GRCh38, 1-based): chr13:32,397,053, A>C. VCF-style: chr13-32397053-A-C. GRCh37 (hg19) VCF-style: chr13-32971190-A-C.
Other names: c.9648+9A>C (NM_000059.3).
Identifiers: ClinVar variation 1107832 (VCV001107832.10), dbSNP rs2137659925, ClinGen allele CA2499222386.